The following is an entry in ClinVar:

ClinVar aggregate classification (germline): Uncertain significance (1 of 4 stars; one submission).

Submission:

GeneDx
Classification: Uncertain significance. Last evaluated: 2023-07-23. Review status: criteria provided, single submitter. Criteria: GeneDx Variant Classification Process June 2021. Collection method: clinical testing. Allele origin: germline. Affected: yes.
Comment: Not observed at significant frequency in large population cohorts (gnomAD); In silico analysis supports that this missense variant has a deleterious effect on protein structure/function; Missense variant in a gene in which most reported pathogenic variants are truncating/loss of function; Has not been previously published as pathogenic or benign to our knowledge

NM_015443.4(KANSL1):c.1281T>G (p.His427Gln)

Gene: KANSL1 (KAT8 regulatory NSL complex subunit 1). Cytogenetic location: 17q21.31.
Variant type: single nucleotide variant.
Coding change: c.1281T>G on transcript NM_015443.4 (MANE Select); coding-DNA position 1281, T replaced by G.
Protein change: p.His427Gln; replaces histidine 427 with glutamine.
Molecular consequence: missense variant. On other transcripts: intron variant (4).
Genome position (GRCh38, 1-based): chr17:46,170,863, A>C on the plus strand (T>G on the coding strand, the complement: KANSL1 is on the minus strand). VCF-style: chr17-46170863-A-C. GRCh37 (hg19) VCF-style: chr17-44248229-A-C.
Other names: c.1281T>G, p.His427Gln (NM_001193465.2, NM_001193466.2, NM_001379198.1 and 18 more transcripts); c.23+52808T>G (NM_001405885.1, NM_001405884.1, NM_001405883.1 and 1 more transcripts); short protein forms H427Q.
Identifiers: ClinVar variation 3361127 (VCV003361127.1).